The following is an entry in ClinVar:

NM_177438.3(DICER1):c.881A>G (p.Asp294Gly)

Gene: DICER1 (dicer 1, ribonuclease III; minus strand). Cytogenetic location: 14q32.13.
Variant type: single nucleotide variant.
Coding change: c.881A>G on transcript NM_177438.3 (MANE Select); coding-DNA position 881, A replaced by G.
Protein change: p.Asp294Gly; replaces aspartic acid 294 with glycine.
Molecular consequence: missense variant. On other transcripts: 5 prime UTR variant (1), non-coding transcript variant (6).
Genome position (GRCh38, 1-based): chr14:95,126,602, T>C on the plus strand (A>G on the coding strand, the complement: DICER1 is on the minus strand). VCF-style: chr14-95126602-T-C. GRCh37 (hg19) VCF-style: chr14-95592939-T-C.
Other names: c.881A>G, p.Asp294Gly (NM_001395679.1, NM_001395680.1, NM_001395682.1 and 14 more transcripts); c.599A>G, p.Asp200Gly (NM_001395686.1); c.476A>G, p.Asp159Gly (NM_001395687.1, NM_001395688.1, NM_001395689.1 and 3 more transcripts); c.314A>G, p.Asp105Gly (NM_001395691.1); c.-688A>G (NM_001395697.1); short protein forms D105G, D159G, D200G, D294G.
Identifiers: ClinVar variation 3691812 (VCV003691812.3).

ClinVar aggregate classification (germline): Uncertain significance. Review status: criteria provided, multiple submitters, no conflicts (2 of 4 stars). 2 submissions from 2 submitters: Uncertain significance (2). Last evaluated 2025-05-10.

Conditions:
Hereditary cancer-predisposing syndrome. Also called: Tumor predisposition; Hereditary neoplastic syndrome; Hereditary Cancer Syndrome; Neoplastic Syndromes, Hereditary. Identifiers: Orphanet 140162, MedGen C0027672, MeSH D009386, MONDO:0015356.
DICER1-related tumor predisposition. Also called: DICER1-related pleuropulmonary blastoma cancer predisposition syndrome; DICER1 syndrome. Identifiers: Orphanet 284343, MedGen C3839822, MONDO:0100216.

Submissions (2):

Ambry Genetics
Classification: Uncertain significance for Hereditary cancer-predisposing syndrome. Last evaluated: 2025-05-10. Review status: criteria provided, single submitter. Criteria: Ambry Variant Classification Scheme 2023. Collection method: clinical testing. Allele origin: germline.
Comment: The p.D294G variant (also known as c.881A>G), located in coding exon 6 of the DICER1 gene, results from an A to G substitution at nucleotide position 881. The aspartic acid at codon 294 is replaced by glycine, an amino acid with similar properties. This amino acid position is conserved. In addition, this alteration is predicted to be deleterious by in silico analysis. Based on the available evidence, the clinical significance of this variant remains unclear.

Labcorp Genetics (formerly Invitae), Labcorp
Classification: Uncertain significance for DICER1-related tumor predisposition. Last evaluated: 2024-05-21. Review status: criteria provided, single submitter. Criteria: Invitae Variant Classification Sherloc (09022015). Collection method: clinical testing. Allele origin: germline.
Comment: This sequence change replaces aspartic acid, which is acidic and polar, with glycine, which is neutral and non-polar, at codon 294 of the DICER1 protein (p.Asp294Gly). This variant is not present in population databases (gnomAD no frequency). This variant has not been reported in the literature in individuals affected with DICER1-related conditions. Advanced modeling of protein sequence and biophysical properties (such as structural, functional, and spatial information, amino acid conservation, physicochemical variation, residue mobility, and thermodynamic stability) performed at Invitae indicates that this missense variant is expected to disrupt DICER1 protein function with a positive predictive value of 80%. In summary, the available evidence is currently insufficient to determine the role of this variant in disease. Therefore, it has been classified as a Variant of Uncertain Significance.